The following is an entry in ClinVar:

NM_001077365.2(POMT1):c.1200C>G (p.Ser400Arg)

Gene: POMT1 (protein O-mannosyltransferase 1; plus strand). Cytogenetic location: 9q34.13.
Variant type: single nucleotide variant.
Coding change: c.1200C>G on transcript NM_001077365.2 (MANE Select); coding-DNA position 1200, C replaced by G.
Protein change: p.Ser400Arg; replaces serine 400 with arginine.
Molecular consequence: missense variant. On other transcripts: non-coding transcript variant (10).
Genome position (GRCh38, 1-based): chr9:131,515,450, C>G. VCF-style: chr9-131515450-C-G. GRCh37 (hg19) VCF-style: chr9-134390837-C-G.
Other names: c.1038C>G, p.Ser346Arg (NM_001077366.2, NM_001353194.2); c.1200C>G, p.Ser400Arg (NM_001136113.2, NM_001374690.1); c.849C>G, p.Ser283Arg (NM_001136114.2, NM_001353195.2, NM_001374691.1 and 2 more transcripts); c.1266C>G, p.Ser422Arg (NM_001353193.2, NM_007171.4); c.1110C>G, p.Ser370Arg (NM_001353196.2); c.1104C>G, p.Ser368Arg (NM_001353197.2, NM_001353198.2); c.915C>G, p.Ser305Arg (NM_001353199.2); c.744C>G, p.Ser248Arg (NM_001353200.2); and 3 more; short protein forms S248R, S283R, S23R, S305R, S346R, S270R, S368R, S396R.
Identifiers: ClinVar variation 4782684 (VCV004782684.1).

ClinVar aggregate classification (germline): Uncertain significance (1 of 4 stars; one submission).

Conditions:
Walker-Warburg congenital muscular dystrophy. Also called: Muscular dystrophy-dystroglycanopathy, type A; Walker-Warburg syndrome. Identifiers: Orphanet 899, MedGen C0265221, MONDO:0000171.
Muscular dystrophy-dystroglycanopathy (congenital with impaired intellectual development), type B, 1. Also called: MUSCULAR DYSTROPHY, CONGENITAL, POMT1-RELATED; Muscular dystrophy-dystroglycanopathy (congenital with intellectual disability), type B1. Identifiers: MedGen C5436962, MONDO:0013159, OMIM 613155.
Autosomal recessive limb-girdle muscular dystrophy type 2K. Also called: MUSCULAR DYSTROPHY-DYSTROGLYCANOPATHY (LIMB-GIRDLE), TYPE C, 1; MUSCULAR DYSTROPHY, LIMB-GIRDLE, TYPE 2K. Identifiers: Orphanet 86812, MedGen C1836373, MONDO:0012248, OMIM 609308.

gnomAD v4.1: 4 of 1,614,206 alleles (0.00025%); highest among the groups gnomAD compares: Non-Finnish European, 0.00034%; no homozygotes.

Submission:

Labcorp Genetics (formerly Invitae), Labcorp
Classification: Uncertain significance for Muscular dystrophy-dystroglycanopathy (congenital with impaired intellectual development), type B, 1; Walker-Warburg congenital muscular dystrophy; Autosomal recessive limb-girdle muscular dystrophy type 2K. Last evaluated: 2025-06-23. Review status: criteria provided, single submitter. Criteria: Invitae Variant Classification Sherloc (09022015). Collection method: clinical testing. Allele origin: germline.
Comment: This sequence change replaces serine, which is neutral and polar, with arginine, which is basic and polar, at codon 422 of the POMT1 protein (p.Ser422Arg). This variant is not present in population databases (gnomAD no frequency). This variant has not been reported in the literature in individuals affected with POMT1-related conditions. Invitae Evidence Modeling of protein sequence and biophysical properties (such as structural, functional, and spatial information, amino acid conservation, physicochemical variation, residue mobility, and thermodynamic stability) has been performed for this missense variant. However, the output from this modeling did not meet the statistical confidence thresholds required to predict the impact of this variant on POMT1 protein function. In summary, the available evidence is currently insufficient to determine the role of this variant in disease. Therefore, it has been classified as a Variant of Uncertain Significance.